The following is an entry in ClinVar:

NM_182649.2(PCNA):c.222-4C>T

Gene: PCNA (proliferating cell nuclear antigen; minus strand). Cytogenetic location: 20p12.3.
Variant type: single nucleotide variant.
Coding change: c.222-4C>T on transcript NM_182649.2 (MANE Select); 4 bases into the intron before coding-DNA position 222, C replaced by T.
Molecular consequence: intron variant.
Genome position (GRCh38, 1-based): chr20:5,118,870, G>A on the plus strand (C>T on the coding strand, the complement: PCNA is on the minus strand). VCF-style: chr20-5118870-G-A. GRCh37 (hg19) VCF-style: chr20-5099516-G-A.
Other names: p.?; c.222-4C>T (NM_002592.2).
Identifiers: ClinVar variation 3060300 (VCV003060300.3), dbSNP rs17349, ClinGen allele CA9753649.
Genomic context (GRCh38, chr20:5,118,870, plus strand): 5'-TCGGCCCTTAGTGTAATGATATCTTCATTGCCGGCGCATTTTAGTATTTTGGACATACTA[G>A]AAGACAGGAGACACATGCTTTAAAATCAACGCCGTCTGCTGAAGGGCTGTATTTCGAACG-3'

ClinVar aggregate classification (germline): Benign. Review status: criteria provided, single submitter (1 of 4 stars). 2 submissions from 2 submitters: Benign (1). 1 of the submissions does not count toward it. Last evaluated 2022-03-24.

Conditions:
PCNA-related disorder. Also called: PCNA-related condition.

Allele frequency attached by ClinVar (database versions not stated): ExAC 0.10433; 1000 Genomes Project 0.12440; ESP Exome Variant Server 0.16931; TOPMed 0.16077; 1000 Genomes Project 30x 0.13007; gnomAD 0.15165.

Submissions (2):

Mayo Clinic Laboratories, Mayo Clinic
Classification: Benign. Last evaluated: 2022-03-24. Review status: criteria provided, single submitter. Criteria: ACMG Guidelines, 2015. Collection method: clinical testing. Allele origin: germline. Observed: 92 variant alleles.

PreventionGenetics, part of Exact Sciences
Classification: Benign for PCNA-related condition. Last evaluated: 2019-10-21. Review status: no assertion criteria provided. Collection method: clinical testing. Allele origin: germline. Not counted in ClinVar's aggregate classification.
Comment: This variant is classified as benign based on ACMG/AMP sequence variant interpretation guidelines (Richards et al. 2015 PMID: 25741868, with internal and published modifications).